The following is an entry in ClinVar:

NM_004628.5(XPC):c.1229A>G (p.Glu410Gly)

Gene: XPC (XPC complex subunit, DNA damage recognition and repair factor; minus strand). Cytogenetic location: 3p25.1.
Variant type: single nucleotide variant.
Coding change: c.1229A>G on transcript NM_004628.5 (MANE Select); coding-DNA position 1229, A replaced by G.
Protein change: p.Glu410Gly; replaces glutamic acid 410 with glycine.
Molecular consequence: missense variant. On other transcripts: non-coding transcript variant (2).
Genome position (GRCh38, 1-based): chr3:14,158,654, T>C on the plus strand (A>G on the coding strand, the complement: XPC is on the minus strand). VCF-style: chr3-14158654-T-C. GRCh37 (hg19) VCF-style: chr3-14200154-T-C.
Other names: c.650A>G, p.Glu217Gly (NM_001354726.2); c.1229A>G, p.Glu410Gly (NM_001354727.2, NM_001354730.2); c.1211A>G, p.Glu404Gly (NM_001354729.2); short protein forms E410G, E404G, E217G.
Identifiers: ClinVar variation 135483 (VCV000135483.3), dbSNP rs587778762, ClinGen allele CA162907.

ClinVar aggregate classification (germline): Uncertain significance. Review status: criteria provided, single submitter (1 of 4 stars). 3 submissions from 3 submitters: Uncertain significance (1). 2 of the submissions do not count toward it. Last evaluated 2025-04-02.

Conditions:
Inborn genetic diseases. Identifiers: MedGen C0950123, MeSH D030342.
Xeroderma pigmentosum, group C (XPC). Also called: XPC-Related Xeroderma Pigmentosum; Xeroderma pigmentosum, complementation group C; XERODERMA PIGMENTOSUM III; XP, GROUP C. Identifiers: Orphanet 910, MedGen C2752147, MONDO:0010211, OMIM 278720.

Allele frequency attached by ClinVar (database versions not stated): gnomAD exomes 0.00001 and 0.00002; TOPMed 0.00001.
gnomAD v4.1: 24 of 1,613,890 alleles (0.0015%); highest among the groups gnomAD compares: Non-Finnish European, 0.0019%; no homozygotes.

Submissions (3):

Ambry Genetics
Classification: Uncertain significance for Inborn genetic diseases. Last evaluated: 2025-04-02. Review status: criteria provided, single submitter. Criteria: Ambry Variant Classification Scheme 2023. Collection method: clinical testing. Allele origin: germline.

Counsyl
Classification: Uncertain significance for Xeroderma pigmentosum, group C. Last evaluated: 2017-03-21. Review status: no assertion criteria provided. Collection method: clinical testing. Allele origin: unknown. Not counted in ClinVar's aggregate classification.

ITMI
No classification provided. Condition: AllHighlyPenetrant. Last evaluated: 2013-09-19. Review status: no classification provided. Collection method: reference population. Allele origin: germline. Not counted in ClinVar's aggregate classification.
Comment: Please see associated publication for description of ethnicities

Literature cited by the submitters: PubMed 24728327 (cited by ITMI).